The following is an entry in ClinVar:

ClinVar aggregate classification (germline): Uncertain significance (1 of 4 stars; one submission).

Allele frequency attached by ClinVar (database versions not stated): gnomAD exomes below 0.00001; TOPMed 0.00001.

Submission:

Labcorp Genetics (formerly Invitae), Labcorp
Classification: Uncertain significance. Last evaluated: 2022-10-17. Review status: criteria provided, single submitter. Criteria: Invitae Variant Classification Sherloc (09022015). Collection method: clinical testing. Allele origin: germline.
Comment: In summary, the available evidence is currently insufficient to determine the role of this variant in disease. Therefore, it has been classified as a Variant of Uncertain Significance. Advanced modeling of protein sequence and biophysical properties (such as structural, functional, and spatial information, amino acid conservation, physicochemical variation, residue mobility, and thermodynamic stability) performed at Invitae indicates that this missense variant is not expected to disrupt RTTN protein function. This variant has not been reported in the literature in individuals affected with RTTN-related conditions. This variant is not present in population databases (gnomAD no frequency). This sequence change replaces proline, which is neutral and non-polar, with serine, which is neutral and polar, at codon 392 of the RTTN protein (p.Pro392Ser).

NM_173630.4(RTTN):c.1174C>T (p.Pro392Ser)

Gene: RTTN (rotatin; minus strand). Cytogenetic location: 18q22.2.
Variant type: single nucleotide variant.
Coding change: c.1174C>T on transcript NM_173630.4 (MANE Select); coding-DNA position 1174, C replaced by T.
Protein change: p.Pro392Ser; replaces proline 392 with serine.
Molecular consequence: missense variant. On other transcripts: 5 prime UTR variant (1).
Genome position (GRCh38, 1-based): chr18:70,190,553, G>A on the plus strand (C>T on the coding strand, the complement: RTTN is on the minus strand). VCF-style: chr18-70190553-G-A. GRCh37 (hg19) VCF-style: chr18-67857789-G-A.
Other names: c.-1380C>T (NM_001318520.2); short protein forms P392S.
Identifiers: ClinVar variation 1904187 (VCV001904187.5), dbSNP rs2061646186, ClinGen allele CA402698981.